The following is an entry in ClinVar:

NM_001370348.2(PHF3):c.126G>T (p.Glu42Asp)

Gene: PHF3 (PHD finger protein 3; plus strand). Cytogenetic location: 6q12.
Variant type: single nucleotide variant.
Coding change: c.126G>T on transcript NM_001370348.2 (MANE Select); coding-DNA position 126, G replaced by T.
Protein change: p.Glu42Asp; replaces glutamic acid 42 with aspartic acid.
Molecular consequence: missense variant. On other transcripts: 5 prime UTR variant (2), intron variant (1).
Genome position (GRCh38, 1-based): chr6:63,646,677, G>T. VCF-style: chr6-63646677-G-T. GRCh37 (hg19) VCF-style: chr6-64356582-G-T.
Other names: c.-332G>T (NM_001290259.2); c.126G>T, p.Glu42Asp (NM_001290260.2, NM_015153.4); c.-285G>T (NM_001370350.2); c.-21+10527G>T (NM_001370349.2); short protein forms E42D.
Identifiers: ClinVar variation 4990087 (VCV004990087.1).
Genomic context (GRCh38, chr6:63,646,677, plus strand): 5'-AGGATCCAACCTGGAGAATGAAGTCTGTGAGGATTTTAGTGCAAGTCAAAATGTCTTAGA[G>T]GACTCGCTGAAGAACATGCTCAGCGATAAGGATCCTATGCTAGGATCTGCAAGTAACCAG-3'
Protein context (NP_001357277.1, residues 32-52): EDFSASQNVL[Glu42Asp]DSLKNMLSDK

ClinVar aggregate classification (germline): Uncertain significance (1 of 4 stars; one submission).

Conditions:
PHF3-related disorder. Also called: PHF3-related condition.

Submission:

PreventionGenetics, part of Exact Sciences
Classification: Uncertain significance for PHF3-related condition. Last evaluated: 2025-04-14. Review status: criteria provided, single submitter. Criteria: ACMG Guidelines, 2015. Collection method: clinical testing. Allele origin: germline.
Comment: The PHF3 c.126G>T variant is predicted to result in the amino acid substitution p.Glu42Asp. To our knowledge, this variant has not been reported in the literature or in a large population database (gnomAD), indicating this variant is rare. At this time, the clinical significance of this variant is uncertain due to the absence of conclusive functional and genetic evidence.